The following is an entry in ClinVar:

NM_000038.6(APC):c.1312+6T>G

Gene: APC (APC regulator of Wnt signaling pathway; plus strand). Cytogenetic location: 5q22.2.
Variant type: single nucleotide variant.
Coding change: c.1312+6T>G on transcript NM_000038.6 (MANE Select); 6 bases into the intron after coding-DNA position 1312, T replaced by G.
Molecular consequence: intron variant.
Genome position (GRCh38, 1-based): chr5:112,819,350, T>G. VCF-style: chr5-112819350-T-G. GRCh37 (hg19) VCF-style: chr5-112155047-T-G.
Other names: c.1312+6T>G (NM_001354895.2, NM_001127510.3, NM_001354896.2); c.1342+6T>G (NM_001354897.2); c.1039+6T>G (NM_001354902.2); c.1258+6T>G (NM_001127511.3); c.1237+6T>G (NM_001354898.2); c.934+6T>G (NM_001354904.2); c.463+6T>G (NM_001354906.2); c.1009+6T>G (NM_001354903.2); and 3 more.
Identifiers: ClinVar variation 1397211 (VCV001397211.6), dbSNP rs2149784292, ClinGen allele CA2573138826.

ClinVar aggregate classification (germline): Uncertain significance (1 of 4 stars; one submission).

Conditions:
Familial adenomatous polyposis 1 (FAP1). Also called: FAMILIAL ADENOMATOUS POLYPOSIS 1, ATTENUATED; POLYPOSIS, ADENOMATOUS INTESTINAL. Identifiers: MedGen C2713442, MONDO:0021056, OMIM 175100. Disease mechanism: loss of function.

Submission:

Labcorp Genetics (formerly Invitae), Labcorp
Classification: Uncertain significance for Familial adenomatous polyposis 1. Last evaluated: 2023-02-24. Review status: criteria provided, single submitter. Criteria: Invitae Variant Classification Sherloc (09022015). Collection method: clinical testing. Allele origin: germline.
Comment: In summary, the available evidence is currently insufficient to determine the role of this variant in disease. Therefore, it has been classified as a Variant of Uncertain Significance. Variants that disrupt the consensus splice site are a relatively common cause of aberrant splicing (PMID: 17576681, 9536098). Algorithms developed to predict the effect of sequence changes on RNA splicing suggest that this variant is not likely to affect RNA splicing. ClinVar contains an entry for this variant (Variation ID: 1397211). This variant has not been reported in the literature in individuals affected with APC-related conditions. This variant is not present in population databases (gnomAD no frequency). This sequence change falls in intron 10 of the APC gene. It does not directly change the encoded amino acid sequence of the APC protein. It affects a nucleotide within the consensus splice site.

Literature cited by the submitters: PubMed 17576681; PubMed 9536098.